The following is an entry in ClinVar:

ClinVar aggregate classification (germline): Likely pathogenic (1 of 4 stars; one submission).

Conditions:
Meier-Gorlin syndrome 2 (MGORS2). Identifiers: Orphanet 2554, MedGen C3151097, MONDO:0013428, OMIM 613800.

Submission:

Institute of Human Genetics, University of Leipzig Medical Center
Classification: Likely pathogenic for Meier-Gorlin syndrome 2. Last evaluated: 2025-09-01. Review status: criteria provided, single submitter. Criteria: ACMG Guidelines, 2015. Collection method: clinical testing. Allele origin: maternal. Inheritance: Autosomal recessive inheritance. Affected: yes.
Comment: Criteria applied: PVS1,PM2_SUP

NM_181741.4(ORC4):c.779del (p.Arg260fs)

Gene: ORC4 (origin recognition complex subunit 4; minus strand). Cytogenetic location: 2q23.1.
Variant type: Deletion.
Coding change: c.779del on transcript NM_181741.4 (MANE Select); coding-DNA position 779, one base deleted (G; older notation c.779delG).
Protein change: p.Arg260fs; shifts the reading frame from arginine 260.
Molecular consequence: frameshift variant.
Genome position (GRCh38, 1-based): chr2:147,943,506, C deleted on the plus strand (G on the coding strand, the reverse complement: ORC4 is on the minus strand). VCF-style (leftmost placement, unchanged base first): chr2-147943505-TC-T. GRCh37 (hg19) VCF-style: chr2-148701074-TC-T.
Other names: c.779del, p.Arg260fs (NM_001190879.3, NM_001374270.1, NM_002552.5); c.527del, p.Arg176fs (NM_001190881.3, NM_001374272.1); c.557del, p.Arg186fs (NM_001190882.3); c.779delG, p.Arg260Lysfs (NM_181742.5); short protein forms R176fs, R186fs, R260fs.
Identifiers: ClinVar variation 4279004 (VCV004279004.1).